The following is an entry in ClinVar:

NM_014396.4(VPS41):c.2521A>G (p.Lys841Glu)

Gene: VPS41 (VPS41 subunit of HOPS complex; minus strand). Cytogenetic location: 7p14.1.
Variant type: single nucleotide variant.
Coding change: c.2521A>G on transcript NM_014396.4 (MANE Select); coding-DNA position 2521, A replaced by G.
Protein change: p.Lys841Glu; replaces lysine 841 with glutamic acid.
Molecular consequence: missense variant.
Genome position (GRCh38, 1-based): chr7:38,726,290, T>C on the plus strand (A>G on the coding strand, the complement: VPS41 is on the minus strand). VCF-style: chr7-38726290-T-C. GRCh37 (hg19) VCF-style: chr7-38765890-T-C.
Other names: c.2446A>G, p.Lys816Glu (NM_080631.4); short protein forms K841E, K816E.
Identifiers: ClinVar variation 4199290 (VCV004199290.3).

ClinVar aggregate classification (germline): Uncertain significance. Review status: criteria provided, multiple submitters, no conflicts (2 of 4 stars). 2 submissions from 2 submitters: Uncertain significance (2). Last evaluated 2025-12-22.

Conditions:
Inborn genetic diseases. Identifiers: MedGen C0950123, MeSH D030342.

gnomAD v4.1: 9 of 1,614,082 alleles (0.00056%); highest among the groups gnomAD compares: Admixed American, 0.013%; no homozygotes.

Submissions (2):

GeneDx
Classification: Uncertain significance. Last evaluated: 2025-12-22. Review status: criteria provided, single submitter. Criteria: GeneDx Variant Classification Process June 2021. Collection method: clinical testing. Allele origin: germline.
Comment: In silico analysis suggests that this missense variant does not alter protein structure/function; Has not been previously published as pathogenic or benign to our knowledge

Ambry Genetics
Classification: Uncertain significance for Inborn genetic diseases. Last evaluated: 2025-08-21. Review status: criteria provided, single submitter. Criteria: Ambry Variant Classification Scheme 2023. Collection method: clinical testing. Allele origin: germline.